The following is an entry in ClinVar:

ClinVar aggregate classification (germline): Pathogenic/Likely pathogenic. Review status: criteria provided, multiple submitters, no conflicts (2 of 4 stars). 2 submissions from 2 submitters: Pathogenic (1); Likely pathogenic (1). Last evaluated 2024-10-07.

Submissions (2):

Labcorp Genetics (formerly Invitae), Labcorp
Classification: Pathogenic. Last evaluated: 2024-10-07. Review status: criteria provided, single submitter. Criteria: Invitae Variant Classification Sherloc (09022015). Collection method: clinical testing. Allele origin: germline.
Comment: This sequence change creates a premature translational stop signal (p.Phe475Serfs*10) in the SLC4A1 gene. It is expected to result in an absent or disrupted protein product. Loss-of-function variants in SLC4A1 are known to be pathogenic (PMID: 8943874, 10926824, 23255290). This variant is not present in population databases (gnomAD no frequency). This variant has not been reported in the literature in individuals affected with SLC4A1-related conditions. For these reasons, this variant has been classified as Pathogenic.

Revvity Omics, Revvity
Classification: Likely pathogenic. Last evaluated: 2023-06-21. Review status: criteria provided, single submitter. Criteria: ACMG Guidelines, 2015. Collection method: clinical testing. Allele origin: germline.

Literature cited by the submitters: PubMed 8943874 (cited by Labcorp Genetics (formerly Invitae), Labcorp); PubMed 10926824 (cited by Labcorp Genetics (formerly Invitae), Labcorp); PubMed 23255290 (cited by Labcorp Genetics (formerly Invitae), Labcorp).

NM_000342.4(SLC4A1):c.1422del (p.Phe475fs)

Gene: SLC4A1 (solute carrier family 4 member 1 (Diego blood group); minus strand). Cytogenetic location: 17q21.31.
Variant type: Deletion.
Coding change: c.1422del on transcript NM_000342.4 (MANE Select); coding-DNA position 1422, one base deleted (C; older notation c.1422delC).
Protein change: p.Phe475fs; shifts the reading frame from phenylalanine 475.
Molecular consequence: frameshift variant.
Genome position (GRCh38, 1-based): chr17:44,257,668, G deleted on the plus strand (C on the coding strand, the reverse complement: SLC4A1 is on the minus strand); the first of 2 consecutive G bases (chr17:44,257,668-44,257,669); deleting either gives the same sequence. VCF-style (leftmost placement, unchanged base first): chr17-44257667-AG-A. GRCh37 (hg19) VCF-style: chr17-42335035-AG-A.
Other names: short protein forms F475fs.
Identifiers: ClinVar variation 2690708 (VCV002690708.4), dbSNP rs2509965970, ClinGen allele CA2697559942.